The following is an entry in ClinVar:

ClinVar aggregate classification (germline): Uncertain significance (1 of 4 stars; one submission).

Conditions:
Cohen syndrome (COH1). Also called: PEPPER SYNDROME; Cutis verticis gyrata, retinitis pigmentosa, and sensorineural deafness. Identifiers: Orphanet 193, MedGen C0265223, MONDO:0008999, OMIM 216550.

Allele frequency attached by ClinVar (database versions not stated): gnomAD 0.00001; gnomAD exomes 0.00001; TOPMed 0.00001; ExAC 0.00002; ESP Exome Variant Server 0.00008.
gnomAD v4.1: 9 of 1,614,080 alleles (0.00056%); highest among the groups gnomAD compares: South Asian, 0.0011%; no homozygotes.

Submission:

Labcorp Genetics (formerly Invitae), Labcorp
Classification: Uncertain significance for Cohen syndrome. Last evaluated: 2022-10-24. Review status: criteria provided, single submitter. Criteria: Invitae Variant Classification Sherloc (09022015). Collection method: clinical testing. Allele origin: germline.
Comment: This sequence change replaces valine, which is neutral and non-polar, with methionine, which is neutral and non-polar, at codon 3798 of the VPS13B protein (p.Val3798Met). This variant is present in population databases (rs145970185, gnomAD 0.003%). This variant has not been reported in the literature in individuals affected with VPS13B-related conditions. ClinVar contains an entry for this variant (Variation ID: 1509335). Advanced modeling of protein sequence and biophysical properties (such as structural, functional, and spatial information, amino acid conservation, physicochemical variation, residue mobility, and thermodynamic stability) performed at Invitae indicates that this missense variant is expected to disrupt VPS13B protein function. In summary, the available evidence is currently insufficient to determine the role of this variant in disease. Therefore, it has been classified as a Variant of Uncertain Significance.

NM_152564.5(VPS13B):c.11317G>A (p.Val3773Met)

Gene: VPS13B (vacuolar protein sorting 13 homolog B; plus strand). Cytogenetic location: 8q22.2.
Variant type: single nucleotide variant.
Coding change: c.11317G>A on transcript NM_152564.5 (MANE Select); coding-DNA position 11317, G replaced by A.
Protein change: p.Val3773Met; replaces valine 3773 with methionine.
Molecular consequence: missense variant.
Genome position (GRCh38, 1-based): chr8:99,868,390, G>A. VCF-style: chr8-99868390-G-A. GRCh37 (hg19) VCF-style: chr8-100880618-G-A.
Other names: c.11392G>A, p.Val3798Met (NM_017890.5); short protein forms V3773M, V3798M.
Identifiers: ClinVar variation 1509335 (VCV001509335.5), dbSNP rs145970185, ClinGen allele CA4825208.